The following is an entry in ClinVar:

NM_000530.8(MPZ):c.646-7C>G

Gene: MPZ (myelin protein zero; minus strand). Cytogenetic location: 1q23.3.
Variant type: single nucleotide variant.
Coding change: c.646-7C>G on transcript NM_000530.8 (MANE Select); 7 bases into the intron before coding-DNA position 646, C replaced by G.
Molecular consequence: intron variant.
Genome position (GRCh38, 1-based): chr1:161,305,984, G>C on the plus strand (C>G on the coding strand, the complement: MPZ is on the minus strand). VCF-style: chr1-161305984-G-C. GRCh37 (hg19) VCF-style: chr1-161275774-G-C.
Other names: c.646-7C>G (NM_001315491.2, LRG_256t1).
Identifiers: ClinVar variation 447732 (VCV000447732.14), dbSNP rs377495735, ClinGen allele CA658656971.
Genomic context (GRCh38, chr1:161,305,984, plus strand): 5'-ACTGACAGCTTTGGTGCTTCTGCTGTGGTCCAGCATTGCATACAGCACTGGCGTCTGGGG[G>C]AGGGGCGCACACATCAGTCACCGAGCGACTGGGGCTTGACTGTTCCCATCCCACCCCTCA-3'

ClinVar aggregate classification (germline): Conflicting classifications of pathogenicity. Review status: criteria provided, conflicting classifications (1 of 4 stars). 3 submissions from 3 submitters: Uncertain significance (2); Likely benign (1). Last evaluated 2025-10-02.

Conditions:
Charcot-Marie-Tooth disease, type I (CMT1). Also called: Charcot-Marie-Tooth, Type 1; Charcot-Marie-Tooth disease type 1. Identifiers: Orphanet 65753, MedGen C0751036, MONDO:0019011.

Submissions (3):

Athena Diagnostics
Classification: Uncertain significance. Last evaluated: 2025-10-02. Review status: criteria provided, single submitter. Criteria: Athena Diagnostics Criteria. Collection method: clinical testing. Allele origin: unknown.
Comment: Available data are insufficient to determine the clinical significance of the variant at this time. This variant has not been reported in large, multi-ethnic general populations. Computational tools yielded predictions that this variant may interfere with normal RNA splicing.

Labcorp Genetics (formerly Invitae), Labcorp
Classification: Likely benign for Charcot-Marie-Tooth disease, type I. Last evaluated: 2024-07-19. Review status: criteria provided, single submitter. Criteria: Invitae Variant Classification Sherloc (09022015). Collection method: clinical testing. Allele origin: germline.

GeneDx
Classification: Uncertain significance. Last evaluated: 2021-06-18. Review status: criteria provided, single submitter. Criteria: GeneDx Variant Classification Process June 2021. Collection method: clinical testing. Allele origin: germline. Affected: yes.
Comment: Has not been previously published as pathogenic or benign to our knowledge; Not observed at significant frequency in large population cohorts (Lek et al., 2016); In-silico analysis, which includes splice predictors and evolutionary conservation, is inconclusive as to whether the variant alters gene splicing. In the absence of RNA/functional studies, the actual effect of this sequence change is unknown.; This variant is associated with the following publications: (PMID: 27535533)